The following is an entry in ClinVar:

NM_006623.4(PHGDH):c.483dup (p.Thr162fs)

Gene: PHGDH (phosphoglycerate dehydrogenase; plus strand). Cytogenetic location: 1p12.
Variant type: Duplication.
Coding change: c.483dup on transcript NM_006623.4 (MANE Select); coding-DNA position 483, one base duplicated (T; older notation c.483dupT).
Protein change: p.Thr162fs; shifts the reading frame from threonine 162.
Molecular consequence: frameshift variant.
Genome position (GRCh38, 1-based): chr1:119,727,075, T duplicated. VCF-style (leftmost placement, unchanged base first): chr1-119727074-C-CT. GRCh37 (hg19) VCF-style: chr1-120269697-C-CT.
Other names: short protein forms T162fs.
Identifiers: ClinVar variation 2703194 (VCV002703194.3), dbSNP rs2464114660, ClinGen allele CA2697554493.

ClinVar aggregate classification (germline): Pathogenic (1 of 4 stars; one submission).

Conditions:
PHGDH deficiency. Identifiers: Orphanet 79351, MedGen C1866174, MONDO:0011152, OMIM 601815.

Submission:

Labcorp Genetics (formerly Invitae), Labcorp
Classification: Pathogenic for PHGDH deficiency. Last evaluated: 2023-12-14. Review status: criteria provided, single submitter. Criteria: Invitae Variant Classification Sherloc (09022015). Collection method: clinical testing. Allele origin: germline.
Comment: This sequence change creates a premature translational stop signal (p.Thr162Tyrfs*14) in the PHGDH gene. It is expected to result in an absent or disrupted protein product. Loss-of-function variants in PHGDH are known to be pathogenic (PMID: 14645240, 24836451). This variant is not present in population databases (gnomAD no frequency). This variant has not been reported in the literature in individuals affected with PHGDH-related conditions. For these reasons, this variant has been classified as Pathogenic.

Literature cited by the submitters: PubMed 14645240; PubMed 24836451.